The following is an entry in ClinVar:

NM_033109.5(PNPT1):c.1073+139C>T

Gene: PNPT1 (polyribonucleotide nucleotidyltransferase 1; minus strand). Cytogenetic location: 2p16.1.
Variant type: single nucleotide variant.
Coding change: c.1073+139C>T on transcript NM_033109.5 (MANE Select); 139 bases into the intron after coding-DNA position 1073, C replaced by T.
Molecular consequence: intron variant.
Genome position (GRCh38, 1-based): chr2:55,667,723, G>A on the plus strand (C>T on the coding strand, the complement: PNPT1 is on the minus strand). VCF-style: chr2-55667723-G-A. GRCh37 (hg19) VCF-style: chr2-55894858-G-A.
Identifiers: ClinVar variation 679538 (VCV000679538.1), dbSNP rs185893564, ClinGen allele CA47662097.

ClinVar aggregate classification (germline): Likely benign (1 of 4 stars; one submission).

Allele frequency attached by ClinVar (database versions not stated): 1000 Genomes Project 0.00060; 1000 Genomes Project 30x 0.00062; TOPMed 0.00111; gnomAD 0.00223 and 0.00234.
gnomAD v4.1: 2,342 of 1,127,284 alleles (0.21%); highest among the groups gnomAD compares: Non-Finnish European, 0.17%; 10 homozygotes.

Submission:

GeneDx
Classification: Likely benign. Last evaluated: 2018-06-14. Review status: criteria provided, single submitter. Criteria: GeneDx Variant Classification (06012015). Collection method: clinical testing. Allele origin: germline. Affected: yes.
Comment: This variant is considered likely benign or benign based on one or more of the following criteria: it is a conservative change, it occurs at a poorly conserved position in the protein, it is predicted to be benign by multiple in silico algorithms, and/or has population frequency not consistent with disease.